The following is an entry in ClinVar:

ClinVar aggregate classification (germline): Uncertain significance (1 of 4 stars; one submission).

Conditions:
Epilepsy, familial focal, with variable foci 3 (FFEVF3). Identifiers: MedGen C4310708, MONDO:0014925, OMIM 617118.

Submission:

Labcorp Genetics (formerly Invitae), Labcorp
Classification: Uncertain significance for Epilepsy, familial focal, with variable foci 3. Last evaluated: 2022-08-16. Review status: criteria provided, single submitter. Criteria: Invitae Variant Classification Sherloc (09022015). Collection method: clinical testing. Allele origin: germline.
Comment: In summary, the available evidence is currently insufficient to determine the role of this variant in disease. Therefore, it has been classified as a Variant of Uncertain Significance. Experimental studies and prediction algorithms are not available or were not evaluated, and the functional significance of this variant is currently unknown. This variant has not been reported in the literature in individuals affected with NPRL3-related conditions. This variant results in a copy number gain of the genomic region encompassing exon(s) 1-3 of the NPRL3 gene. This region includes the initiator codon of the gene. This copy number gain extends beyond the assayed region for this gene and therefore may encompass additional genes. As the precise location of this event is unknown, it may be in tandem or it may be located elsewhere in the genome.

NC_000016.9:g.(?_180501)_(193701_?)dup

Gene: NPRL3 (NPR3 like, GATOR1 complex subunit; minus strand). Cytogenetic location: 16p13.3.
Variant type: Duplication.
Identifiers: ClinVar variation 2423603 (VCV002423603.4).